The following is an entry in ClinVar:

NM_005462.5(MAGEC1):c.1000C>G (p.Pro334Ala)

Gene: MAGEC1 (MAGE family member C1; plus strand). Cytogenetic location: Xq27.2.
Variant type: single nucleotide variant.
Coding change: c.1000C>G on transcript NM_005462.5 (MANE Select); coding-DNA position 1000, C replaced by G.
Protein change: p.Pro334Ala; replaces proline 334 with alanine.
Molecular consequence: missense variant.
Genome position (GRCh38, 1-based): chrX:141,906,404, C>G. VCF-style: chrX-141906404-C-G. GRCh37 (hg19) VCF-style: chrX-140994190-C-G.
Other names: c.1000C>G (NM_005462.4); short protein forms P334A.
Identifiers: ClinVar variation 2661563 (VCV002661563.25), dbSNP rs59520182, ClinGen allele CA10533486.

ClinVar aggregate classification (germline): Conflicting classifications of pathogenicity. Review status: criteria provided, conflicting classifications (1 of 4 stars). 2 submissions from 2 submitters: Uncertain significance (1); Likely benign (1). Last evaluated 2024-06-16.

Allele frequency attached by ClinVar (database versions not stated): gnomAD 0.00005; ESP Exome Variant Server 0.00152.

Submissions (2):

Ambry Genetics
Classification: Uncertain significance. Last evaluated: 2024-06-16. Review status: criteria provided, single submitter. Criteria: Ambry Variant Classification Scheme 2023. Collection method: clinical testing. Allele origin: germline.

CeGaT Center for Human Genetics Tuebingen
Classification: Likely benign. Last evaluated: 2022-05-01. Review status: criteria provided, single submitter. Criteria: CeGaT Center For Human Genetics Tuebingen Variant Classification Criteria Version 2. Collection method: clinical testing. Allele origin: germline. Affected: yes. Observed: 1 variant allele.
Comment: MAGEC1: BP4